The following is an entry in ClinVar:

NM_001853.4(COL9A3):c.469G>A (p.Gly157Arg)

Gene: COL9A3 (collagen type IX alpha 3 chain; plus strand). Cytogenetic location: 20q13.33.
Variant type: single nucleotide variant.
Coding change: c.469G>A on transcript NM_001853.4 (MANE Select); coding-DNA position 469, G replaced by A.
Protein change: p.Gly157Arg; replaces glycine 157 with arginine.
Molecular consequence: missense variant.
Genome position (GRCh38, 1-based): chr20:62,822,156, G>A. VCF-style: chr20-62822156-G-A. GRCh37 (hg19) VCF-style: chr20-61453508-G-A.
Other names: short protein forms G157R.
Identifiers: ClinVar variation 1016619 (VCV001016619.8), dbSNP rs754585468, ClinGen allele CA9949280.

ClinVar aggregate classification (germline): Uncertain significance. Review status: criteria provided, multiple submitters, no conflicts (2 of 4 stars). 2 submissions from 2 submitters: Uncertain significance (2). Last evaluated 2025-12-03.

Conditions:
Epiphyseal dysplasia, multiple, 3 (EDM3). Also called: Epiphyseal dysplasia, multiple, 3, with or without myopathy; COL9A3-Related Multiple Epiphyseal Dysplasia. Identifiers: MedGen C1832998, MONDO:0010964, OMIM 600969.

Allele frequency attached by ClinVar (database versions not stated): ExAC 0.00004; gnomAD 0.00004 and 0.00003; gnomAD exomes 0.00004 and 0.00001; TOPMed 0.00003.

Submissions (2):

Labcorp Genetics (formerly Invitae), Labcorp
Classification: Uncertain significance. Last evaluated: 2025-12-03. Review status: criteria provided, single submitter. Criteria: Invitae Variant Classification Sherloc (09022015). Collection method: clinical testing. Allele origin: germline.
Comment: This sequence change replaces glycine, which is neutral and non-polar, with arginine, which is basic and polar, at codon 157 of the COL9A3 protein (p.Gly157Arg). This variant is present in population databases (rs754585468, gnomAD 0.03%). This variant has not been reported in the literature in individuals affected with COL9A3-related conditions. ClinVar contains an entry for this variant (Variation ID: 1016619). Invitae Evidence Modeling of protein sequence and biophysical properties (such as structural, functional, and spatial information, amino acid conservation, physicochemical variation, residue mobility, and thermodynamic stability) indicates that this missense variant is expected to disrupt COL9A3 protein function with a positive predictive value of 95%. In summary, the available evidence is currently insufficient to determine the role of this variant in disease. Therefore, it has been classified as a Variant of Uncertain Significance.

Dasa
Classification: Uncertain significance for Epiphyseal dysplasia, multiple, 3. Last evaluated: 2024-11-01. Review status: criteria provided, single submitter. Criteria: DASA Assertion Criteria. Collection method: clinical testing. Allele origin: germline.
Comment: NM_001853.4(COL9A3):c.469G>A (p.Gly157Arg) is a missense variant that results in the substitution of glycine with arginine. This variant is rare in population databases. Computational prediction algorithms are consistent with a deleterious effect. The currently available literature and clinical evidence are not sufficient to establish a definitive association between this variant and the reported condition. Therefore, this variant is classified as a variant of uncertain significance.